The following is an entry in ClinVar:

NM_001079872.2(CUL4B):c.437T>C (p.Ile146Thr)

Genes: CUL4B (cullin 4B; minus strand), LOC113845788 (Sharpr-MPRA regulatory region 11856; plus strand). Cytogenetic location: Xq24.
Variant type: single nucleotide variant.
Coding change: c.437T>C on transcript NM_001079872.2 (MANE Select); coding-DNA position 437, T replaced by C.
Protein change: p.Ile146Thr; replaces isoleucine 146 with threonine.
Molecular consequence: missense variant.
Genome position (GRCh38, 1-based): chrX:120,560,202, A>G on the plus strand (T>C on the coding strand, the complement: CUL4B is on the minus strand). VCF-style: chrX-120560202-A-G. GRCh37 (hg19) VCF-style: chrX-119694057-A-G.
Other names: c.452T>C, p.Ile151Thr (NM_001330624.2); c.491T>C, p.Ile164Thr (NM_003588.4); short protein forms I146T, I151T, I164T.
Identifiers: ClinVar variation 4681088 (VCV004681088.1).

ClinVar aggregate classification (germline): Uncertain significance (1 of 4 stars; one submission).

gnomAD v4.1: 1 of 1,211,171 alleles (0.000083%); highest among the groups gnomAD compares: Non-Finnish European, 0.00011%; no homozygotes.

Submission:

GeneDx
Classification: Uncertain significance. Last evaluated: 2025-07-02. Review status: criteria provided, single submitter. Criteria: GeneDx Variant Classification Process June 2021. Collection method: clinical testing. Allele origin: germline. Affected: yes.
Comment: Not observed at significant frequency in large population cohorts (gnomAD); In silico analysis suggests that this missense variant does not alter protein structure/function; Has not been previously published as pathogenic or benign to our knowledge